The following is an entry in ClinVar:

NM_001100.4(ACTA1):c.1109C>A (p.Ser370Tyr)

Gene: ACTA1 (actin alpha 1, skeletal muscle; minus strand). Cytogenetic location: 1q42.13.
Variant type: single nucleotide variant.
Coding change: c.1109C>A on transcript NM_001100.4 (MANE Select); coding-DNA position 1109, C replaced by A.
Protein change: p.Ser370Tyr; replaces serine 370 with tyrosine.
Molecular consequence: missense variant.
Genome position (GRCh38, 1-based): chr1:229,431,524, G>T on the plus strand (C>A on the coding strand, the complement: ACTA1 is on the minus strand). VCF-style: chr1-229431524-G-T. GRCh37 (hg19) VCF-style: chr1-229567271-G-T.
Other names: short protein forms S370Y.
Identifiers: ClinVar variation 464115 (VCV000464115.9), dbSNP rs1553255290, ClinGen allele CA345144188.
Genomic context (GRCh38, chr1:229,431,524, plus strand): 5'-GTCCTGAGAAGTCGCGTGCTGGAGGTGGAGTGTGTCTAGAAGCATTTGCGGTGGACGATG[G>T]AAGGGCCGGCCTCGTCGTACTCCTGCTTGGTGATCCACATCTGCTGGAAGGTGGACAGCG-3'
Protein context (NP_001091.1, residues 360-377): TKQEYDEAGP[Ser370Tyr]IVHRKCF

ClinVar aggregate classification (germline): Uncertain significance (1 of 4 stars; one submission).

Conditions:
Actin accumulation myopathy (CMYO2A). Also called: Nemaline myopathy type 3; Myopathy, actin, congenital, with excess of thin myofilaments; Myopathy, actin, congenital, with cores; Nemaline myopathy 3, with intranuclear rods; CONGENITAL MYOPATHY 2A, TYPICAL, AUTOSOMAL DOMINANT. Identifiers: Orphanet 98904, MedGen C3711389, MONDO:0008070, OMIM 161800.

Submission:

Labcorp Genetics (formerly Invitae), Labcorp
Classification: Uncertain significance for Actin accumulation myopathy. Last evaluated: 2017-07-19. Review status: criteria provided, single submitter. Criteria: Invitae Variant Classification Sherloc (09022015). Collection method: clinical testing. Allele origin: germline.
Comment: In summary, the available evidence is currently insufficient to determine the role of this variant in disease. Therefore, it has been classified as a Variant of Uncertain Significance. Algorithms developed to predict the effect of missense changes on protein structure and function do not agree on the potential impact of this missense change (SIFT: "Deleterious"; PolyPhen-2: "Probably Damaging"; Align-GVGD: "Class C15"). This variant has not been reported in the literature in individuals with ACTA1-related disease. This variant is not present in population databases (ExAC no frequency). This sequence change replaces serine with tyrosine at codon 370 of the ACTA1 protein (p.Ser370Tyr). The serine residue is highly conserved and there is a large physicochemical difference between serine and tyrosine.